The following is an entry in ClinVar:

ClinVar aggregate classification (germline): Uncertain significance. Review status: criteria provided, multiple submitters, no conflicts (2 of 4 stars). 2 submissions from 2 submitters: Uncertain significance (2). Last evaluated 2025-04-20.

Conditions:
Cardiovascular phenotype. Identifiers: MedGen CN230736.
Hypertrophic cardiomyopathy 12. Identifiers: MedGen C2677491, MONDO:0012804, OMIM 612124.
Dilated cardiomyopathy 1M (CMD1M). Identifiers: Orphanet 154, MedGen C1843808, MONDO:0011840, OMIM 607482.

Allele frequency attached by ClinVar (database versions not stated): TOPMed below 0.00001; gnomAD exomes below 0.00001.

Submissions (2):

Ambry Genetics
Classification: Uncertain significance for Cardiovascular phenotype. Last evaluated: 2025-04-20. Review status: criteria provided, single submitter. Criteria: Ambry Variant Classification Scheme 2023. Collection method: clinical testing. Allele origin: germline.
Comment: The p.A173V variant (also known as c.518C>T), located in coding exon 5 of the CSRP3 gene, results from a C to T substitution at nucleotide position 518. The alanine at codon 173 is replaced by valine, an amino acid with similar properties. This amino acid position is conserved. In addition, this alteration is predicted to be deleterious by in silico analysis. Based on the available evidence, the clinical significance of this variant remains unclear.

Labcorp Genetics (formerly Invitae), Labcorp
Classification: Uncertain significance for Hypertrophic cardiomyopathy 12; Dilated cardiomyopathy 1M. Last evaluated: 2022-03-09. Review status: criteria provided, single submitter. Criteria: Invitae Variant Classification Sherloc (09022015). Collection method: clinical testing. Allele origin: germline.
Comment: In summary, the available evidence is currently insufficient to determine the role of this variant in disease. Therefore, it has been classified as a Variant of Uncertain Significance. Algorithms developed to predict the effect of missense changes on protein structure and function are either unavailable or do not agree on the potential impact of this missense change (SIFT: "Deleterious"; PolyPhen-2: "Probably Damaging"; Align-GVGD: "Class C15"). ClinVar contains an entry for this variant (Variation ID: 842508). This variant has not been reported in the literature in individuals affected with CSRP3-related conditions. This variant is present in population databases (no rsID available, gnomAD no frequency). This sequence change replaces alanine, which is neutral and non-polar, with valine, which is neutral and non-polar, at codon 173 of the CSRP3 protein (p.Ala173Val).

NM_003476.5(CSRP3):c.518C>T (p.Ala173Val)

Gene: CSRP3 (cysteine and glycine rich protein 3; minus strand). Cytogenetic location: 11p15.1.
Variant type: single nucleotide variant.
Coding change: c.518C>T on transcript NM_003476.5 (MANE Select); coding-DNA position 518, C replaced by T.
Protein change: p.Ala173Val; replaces alanine 173 with valine.
Molecular consequence: missense variant.
Genome position (GRCh38, 1-based): chr11:19,182,737, G>A on the plus strand (C>T on the coding strand, the complement: CSRP3 is on the minus strand). VCF-style: chr11-19182737-G-A. GRCh37 (hg19) VCF-style: chr11-19204284-G-A.
Other names: c.349C>T, p.Pro117Ser (NM_001369404.1); c.518C>T (NM_003476.3); short protein forms P117S, A173V.
Identifiers: ClinVar variation 842508 (VCV000842508.10), dbSNP rs1175934112, ClinGen allele CA379887567.